The following is an entry in ClinVar:

ClinVar aggregate classification (germline): Conflicting classifications of pathogenicity. Review status: criteria provided, conflicting classifications (1 of 4 stars). 2 submissions from 2 submitters: Uncertain significance (1); Likely benign (1). Last evaluated 2026-06-02.

Conditions:
Neuroblastoma, susceptibility to, 3. Also called: ALK-Related Neuroblastic Tumor Susceptibility. Identifiers: Orphanet 635, MedGen C2751681, MONDO:0013083, OMIM 613014.
Hereditary cancer-predisposing syndrome. Also called: Hereditary Cancer Syndrome; Hereditary neoplastic syndrome; Neoplastic Syndromes, Hereditary; Tumor predisposition. Identifiers: Orphanet 140162, MedGen C0027672, MeSH D009386, MONDO:0015356.

Submissions (2):

Ambry Genetics
Classification: Likely benign for Hereditary cancer-predisposing syndrome. Last evaluated: 2026-06-02. Review status: criteria provided, single submitter. Criteria: Ambry Variant Classification Scheme 2023. Collection method: clinical testing. Allele origin: germline.

Labcorp Genetics (formerly Invitae), Labcorp
Classification: Uncertain significance for Neuroblastoma, susceptibility to, 3. Last evaluated: 2025-06-25. Review status: criteria provided, single submitter. Criteria: Invitae Variant Classification Sherloc (09022015). Collection method: clinical testing. Allele origin: germline.
Comment: This sequence change creates a premature translational stop signal (p.Tyr67*) in the ALK gene. It is expected to result in an absent or disrupted protein product. However, the current clinical and genetic evidence is not sufficient to establish whether loss-of-function variants in ALK cause disease. This variant is not present in population databases (gnomAD no frequency). This variant has not been reported in the literature in individuals affected with ALK-related conditions. ClinVar contains an entry for this variant (Variation ID: 3705282). In summary, the available evidence is currently insufficient to determine the role of this variant in disease. Therefore, it has been classified as a Variant of Uncertain Significance.

NM_004304.5(ALK):c.201C>G (p.Tyr67Ter)

Gene: ALK (ALK receptor tyrosine kinase; minus strand). Cytogenetic location: 2p23.1.
Variant type: single nucleotide variant.
Coding change: c.201C>G on transcript NM_004304.5 (MANE Select); coding-DNA position 201, C replaced by G.
Protein change: p.Tyr67Ter; replaces tyrosine 67 with a stop codon.
Molecular consequence: nonsense.
Genome position (GRCh38, 1-based): chr2:29,920,459, G>C on the plus strand (C>G on the coding strand, the complement: ALK is on the minus strand). VCF-style: chr2-29920459-G-C. GRCh37 (hg19) VCF-style: chr2-30143325-G-C.
Other names: c.201C>G (NM_004304.4); short protein forms Y67*.
Identifiers: ClinVar variation 3705282 (VCV003705282.3).